The following is an entry in ClinVar:

ClinVar aggregate classification (germline): Uncertain significance (1 of 4 stars; one submission).

Conditions:
Emery-Dreifuss muscular dystrophy 5, autosomal dominant (EDMD5). Also called: EMERY-DREIFUSS MUSCULAR DYSTROPHY 5. Identifiers: Orphanet 261, MedGen C2751805, MONDO:0013072, OMIM 612999.

Allele frequency attached by ClinVar (database versions not stated): TOPMed below 0.00001; gnomAD 0.00001.
gnomAD v4.1: 1 of 1,614,078 alleles (0.000062%); highest among the groups gnomAD compares: Non-Finnish European, 0.000085%; no homozygotes.

Submission:

Neuberg Centre For Genomic Medicine, NCGM
Classification: Uncertain significance for Emery-Dreifuss muscular dystrophy 5, autosomal dominant. Review status: criteria provided, single submitter. Criteria: ACMG Guidelines, 2015. Collection method: clinical testing. Allele origin: germline. Affected: yes.
Comment: The missense variant p.C6762R in SYNE2 (NM_182914.3) has not been reported previously as a pathogenic variant nor as a benign variant, to our knowledge. The p.C6762R variant is novel (not in any individuals) in gnomAD Exomes and is novel (not in any individuals) in 1000 Genomes. There is a large physicochemical difference between cysteine and arginine, which is likely to impact secondary protein structure as these residues differ in polarity, charge, size and/or other properties. In silico tools are contradictory in their predictions (SIFT-damaging, Polyphen-2-tolerated) and the residue is conserved across species. For these reasons, this variant has been classified as Uncertain Significance.

NM_182914.3(SYNE2):c.20284T>C (p.Cys6762Arg)

Gene: SYNE2 (spectrin repeat containing nuclear envelope protein 2; plus strand). Cytogenetic location: 14q23.2.
Variant type: single nucleotide variant.
Coding change: c.20284T>C on transcript NM_182914.3 (MANE Select); coding-DNA position 20284, T replaced by C.
Protein change: p.Cys6762Arg; replaces cysteine 6762 with arginine.
Molecular consequence: missense variant.
Genome position (GRCh38, 1-based): chr14:64,223,282, T>C. VCF-style: chr14-64223282-T-C. GRCh37 (hg19) VCF-style: chr14-64690000-T-C.
Other names: c.20215T>C, p.Cys6739Arg (NM_015180.6); c.850T>C, p.Cys284Arg (NM_182910.2); c.1228T>C, p.Cys410Arg (NM_182913.4); short protein forms C284R, C410R, C6739R, C6762R.
Identifiers: ClinVar variation 1339236 (VCV001339236.2), dbSNP rs1444525177, ClinGen allele CA389976798.
Genomic context (GRCh38, chr14:64,223,282, plus strand): 5'-CAAGTGGACATGTTACAGGAGATTTCAAACAGCCTTCTCATTAAGGGACATGGAGAAGAC[T>C]GTATTGAAGCTGAAGAAAAGGTGCATGTTATTGAGAAGAAACTCAAACAGTTACGGGAGC-3'
Protein context (NP_878918.2, residues 6752-6772): SLLIKGHGED[Cys6762Arg]IEAEEKVHVI